The following is an entry in ClinVar:

ClinVar aggregate classification (germline): Conflicting classifications of pathogenicity. Review status: criteria provided, conflicting classifications (1 of 4 stars). 3 submissions from 3 submitters: Uncertain significance (2); Likely benign (1). Last evaluated 2024-09-04.

Conditions:
Retinal dystrophy. Also called: Inherited retinal dystrophy. Identifiers: Orphanet 71862, MedGen C0854723, MeSH D058499, MONDO:0019118, HP:0000556.

Allele frequency attached by ClinVar (database versions not stated): gnomAD 0.00001 and 0.00003; ExAC 0.00002; gnomAD exomes 0.00002 and 0.00005; TOPMed 0.00002; 1000 Genomes Project 30x 0.00016; 1000 Genomes Project 0.00020.

Submissions (3):

Blueprint Genetics
Classification: Uncertain significance. Last evaluated: 2024-09-04. Review status: criteria provided, single submitter. Criteria: ACMG Guidelines, 2015. Collection method: clinical testing. Allele origin: germline.

Dept Of Ophthalmology, Nagoya University
Classification: Likely benign for Retinal dystrophy. Last evaluated: 2023-10-01. Review status: criteria provided, single submitter. Criteria: Submitter's publication. Collection method: research. Allele origin: germline. Affected: yes.

Labcorp Genetics (formerly Invitae), Labcorp
Classification: Uncertain significance. Last evaluated: 2022-03-10. Review status: criteria provided, single submitter. Criteria: Invitae Variant Classification Sherloc (09022015). Collection method: clinical testing. Allele origin: germline.
Comment: This sequence change replaces arginine, which is basic and polar, with glutamine, which is neutral and polar, at codon 217 of the AGBL5 protein (p.Arg217Gln). This variant is present in population databases (rs541509761, gnomAD 0.006%). This variant has not been reported in the literature in individuals affected with AGBL5-related conditions. ClinVar contains an entry for this variant (Variation ID: 846624). Algorithms developed to predict the effect of missense changes on protein structure and function output the following: SIFT: "Tolerated"; PolyPhen-2: "Benign"; Align-GVGD: "Class C0". The glutamine amino acid residue is found in multiple mammalian species, which suggests that this missense change does not adversely affect protein function. In summary, the available evidence is currently insufficient to determine the role of this variant in disease. Therefore, it has been classified as a Variant of Uncertain Significance.

NM_021831.6(AGBL5):c.650G>A (p.Arg217Gln)

Gene: AGBL5 (AGBL carboxypeptidase 5; plus strand). Cytogenetic location: 2p23.3.
Variant type: single nucleotide variant.
Coding change: c.650G>A on transcript NM_021831.6 (MANE Select); coding-DNA position 650, G replaced by A.
Protein change: p.Arg217Gln; replaces arginine 217 with glutamine.
Molecular consequence: missense variant. On other transcripts: non-coding transcript variant (2).
Genome position (GRCh38, 1-based): chr2:27,054,728, G>A. VCF-style: chr2-27054728-G-A. GRCh37 (hg19) VCF-style: chr2-27277596-G-A.
Other names: c.650G>A, p.Arg217Gln (NM_001035507.3); short protein forms R217Q.
Identifiers: ClinVar variation 846624 (VCV000846624.10), dbSNP rs541509761, ClinGen allele CA1567691.